The following is an entry in ClinVar:

NM_000465.4(BARD1):c.39G>A (p.Arg13=)

Gene: BARD1 (BRCA1 associated RING domain 1; minus strand). Cytogenetic location: 2q35.
Variant type: single nucleotide variant.
Coding change: c.39G>A on transcript NM_000465.4 (MANE Select); coding-DNA position 39, G replaced by A.
Protein change: p.Arg13=; no amino-acid change (arginine 13 retained).
Molecular consequence: synonymous variant. On other transcripts: non-coding transcript variant (3).
Genome position (GRCh38, 1-based): chr2:214,809,531, C>T on the plus strand (G>A on the coding strand, the complement: BARD1 is on the minus strand). VCF-style: chr2-214809531-C-T. GRCh37 (hg19) VCF-style: chr2-215674255-C-T.
Other names: c.39G>A (NM_000465.2); c.39G>A, p.Arg13= (NM_001282543.2, NM_001282545.2, NM_001282548.2 and 1 more transcripts).
Identifiers: ClinVar variation 1575668 (VCV001575668.13), dbSNP rs770217979, ClinGen allele CA2090535.

ClinVar aggregate classification (germline): Benign/Likely benign. Review status: criteria provided, multiple submitters, no conflicts (2 of 4 stars). 4 submissions from 4 submitters: Benign (1); Likely benign (3). Last evaluated 2024-10-27.

Conditions:
Familial cancer of breast. Also called: hereditary breast carcinoma; BREAST CANCER, FAMILIAL; Hereditary breast cancer. Identifiers: Orphanet 227535, MedGen C0346153, MONDO:0016419, OMIM 114480. Disease mechanism: loss of function.
Hereditary cancer-predisposing syndrome. Also called: Hereditary Cancer Syndrome; Tumor predisposition; Neoplastic Syndromes, Hereditary; Hereditary neoplastic syndrome. Identifiers: Orphanet 140162, MedGen C0027672, MeSH D009386, MONDO:0015356.

Allele frequency attached by ClinVar (database versions not stated): gnomAD exomes below 0.00001 and 0.00001; ExAC 0.00002.
gnomAD v4.1: 5 of 1,583,200 alleles (0.00032%); highest among the groups gnomAD compares: South Asian, 0.0056%; no homozygotes.

Submissions (4):

Labcorp Genetics (formerly Invitae), Labcorp
Classification: Likely benign for Familial cancer of breast. Last evaluated: 2024-10-27. Review status: criteria provided, single submitter. Criteria: Invitae Variant Classification Sherloc (09022015). Collection method: clinical testing. Allele origin: germline.

Myriad Genetics, Inc.
Classification: Benign for Familial cancer of breast. Last evaluated: 2024-07-18. Review status: criteria provided, single submitter. Criteria: Myriad Autosomal Dominant, Autosomal Recessive and X-Linked Classification Criteria (2023). Collection method: clinical testing. Allele origin: unknown.
Comment: This variant is considered benign. This variant is a silent/synonymous amino acid change and it is not expected to impact splicing.

Ambry Genetics
Classification: Likely benign for Hereditary cancer-predisposing syndrome. Last evaluated: 2023-11-03. Review status: criteria provided, single submitter. Criteria: Ambry Variant Classification Scheme 2023. Collection method: clinical testing. Allele origin: germline.

Color Diagnostics, LLC DBA Color Health
Classification: Likely benign for Hereditary cancer-predisposing syndrome. Last evaluated: 2023-02-17. Review status: criteria provided, single submitter. Criteria: ACMG Guidelines, 2015. Collection method: clinical testing. Allele origin: germline.